The following is an entry in ClinVar:

ClinVar aggregate classification (germline): Benign/Likely benign. Review status: criteria provided, multiple submitters, no conflicts (2 of 4 stars). 7 submissions from 6 submitters: Benign (3); Likely benign (3). 1 of the submissions does not count toward it. Last evaluated 2026-02-02.

Conditions:
AP4E1-related disorder. Also called: AP4E1-related condition.
Stuttering, familial persistent, 1. Also called: STAMMERING. Identifiers: MedGen C3489627, MONDO:0008483, OMIM 184450.
Hereditary spastic paraplegia 51. Also called: CEREBRAL PALSY, SPASTIC QUADRIPLEGIC, 4; Spastic paraplegia 51, autosomal recessive. Identifiers: Orphanet 280763, MedGen C3151056, MONDO:0013401, OMIM 613744.
Spastic paraplegia. Identifiers: MedGen C0037772, HP:0001258.
Hereditary spastic paraplegia. Also called: Familial spastic paraparesis. Identifiers: Orphanet 685, MedGen C0037773, MONDO:0019064. Disease mechanism: loss of function.

Allele frequency attached by ClinVar (database versions not stated): gnomAD exomes 0.00043 and 0.00124; ExAC 0.00148; 1000 Genomes Project 0.00439; gnomAD 0.00505 and 0.00543; 1000 Genomes Project 30x 0.00515; TOPMed 0.00521; ESP Exome Variant Server 0.00601.
gnomAD v4.1: 1,413 of 1,614,068 alleles (0.088%); highest among the groups gnomAD compares: African/African-American, 1.7%; 14 homozygotes.

Submissions (7):

Labcorp Genetics (formerly Invitae), Labcorp
Classification: Benign for Spastic paraplegia. Last evaluated: 2026-02-02. Review status: criteria provided, single submitter. Criteria: Invitae Variant Classification Sherloc (09022015). Collection method: clinical testing. Allele origin: germline.

Blueprint Genetics
Classification: Likely benign. Last evaluated: 2024-10-16. Review status: criteria provided, single submitter. Criteria: ACMG Guidelines, 2015. Collection method: clinical testing. Allele origin: germline.

GeneDx
Classification: Likely benign. Last evaluated: 2021-12-28. Review status: criteria provided, single submitter. Criteria: GeneDx Variant Classification Process June 2021. Collection method: clinical testing. Allele origin: germline. Affected: yes.
Comment: See Variant Classification Assertion Criteria.

Genome-Nilou Lab
Classification: Benign for Hereditary spastic paraplegia 51. Last evaluated: 2021-12-05. Review status: criteria provided, single submitter. Criteria: ACMG Guidelines, 2015. Collection method: clinical testing. Allele origin: germline. Affected: no.

Genome-Nilou Lab
Classification: Benign for Stuttering, familial persistent, 1. Last evaluated: 2021-12-05. Review status: criteria provided, single submitter. Criteria: ACMG Guidelines, 2015. Collection method: clinical testing. Allele origin: germline. Affected: no.

Genome Diagnostics Laboratory, The Hospital for Sick Children
Classification: Likely benign for Hereditary spastic paraplegia. Last evaluated: 2021-09-01. Review status: criteria provided, single submitter. Criteria: ACMG Guidelines, 2015. Collection method: clinical testing. Allele origin: germline. Affected: yes.

PreventionGenetics, part of Exact Sciences
Classification: Benign for AP4E1-related condition. Last evaluated: 2020-10-21. Review status: no assertion criteria provided. Collection method: clinical testing. Allele origin: germline. Not counted in ClinVar's aggregate classification.
Comment: This variant is classified as benign based on ACMG/AMP sequence variant interpretation guidelines (Richards et al. 2015 PMID: 25741868, with internal and published modifications).

NM_007347.5(AP4E1):c.171G>A (p.Gln57=)

Gene: AP4E1 (adaptor related protein complex 4 subunit epsilon 1; plus strand). Cytogenetic location: 15q21.2.
Variant type: single nucleotide variant.
Coding change: c.171G>A on transcript NM_007347.5 (MANE Select); coding-DNA position 171, G replaced by A.
Protein change: p.Gln57=; no amino-acid change (glutamine 57 retained).
Molecular consequence: synonymous variant. On other transcripts: 5 prime UTR variant (1).
Genome position (GRCh38, 1-based): chr15:50,912,098, G>A. VCF-style: chr15-50912098-G-A. GRCh37 (hg19) VCF-style: chr15-51204295-G-A.
Other names: c.-78G>A (NM_001252127.2).
Identifiers: ClinVar variation 695562 (VCV000695562.19), dbSNP rs28463775, ClinGen allele CA7558676.